The following is an entry in ClinVar:

ClinVar aggregate classification (germline): Uncertain significance (1 of 4 stars; one submission).

Allele frequency attached by ClinVar (database versions not stated): gnomAD 0.00004; TOPMed 0.00005; ESP Exome Variant Server 0.00008.
gnomAD v4.1: 52 of 1,614,050 alleles (0.0032%); highest among the groups gnomAD compares: Non-Finnish European, 0.0037%; no homozygotes.

Submission:

Labcorp Genetics (formerly Invitae), Labcorp
Classification: Uncertain significance. Last evaluated: 2022-09-07. Review status: criteria provided, single submitter. Criteria: Invitae Variant Classification Sherloc (09022015). Collection method: clinical testing. Allele origin: germline.
Comment: This sequence change replaces histidine, which is basic and polar, with tyrosine, which is neutral and polar, at codon 494 of the HTT protein (p.His494Tyr). In summary, the available evidence is currently insufficient to determine the role of this variant in disease. Therefore, it has been classified as a Variant of Uncertain Significance. Experimental studies and prediction algorithms are not available or were not evaluated, and the functional significance of this variant is currently unknown. ClinVar contains an entry for this variant (Variation ID: 1414790). This variant has not been reported in the literature in individuals affected with HTT-related conditions. This variant is present in population databases (rs201739761, gnomAD 0.008%).

NM_001388492.1(HTT):c.1474C>T (p.His492Tyr)

Gene: HTT (huntingtin; plus strand). Cytogenetic location: 4p16.3.
Variant type: single nucleotide variant.
Coding change: c.1474C>T on transcript NM_001388492.1 (MANE Select); coding-DNA position 1474, C replaced by T.
Protein change: p.His492Tyr; replaces histidine 492 with tyrosine.
Molecular consequence: missense variant.
Genome position (GRCh38, 1-based): chr4:3,127,335, C>T. VCF-style: chr4-3127335-C-T. GRCh37 (hg19) VCF-style: chr4-3129062-C-T.
Other names: c.1480C>T, p.His494Tyr (NM_002111.8); short protein forms H492Y, H494Y.
Identifiers: ClinVar variation 1414790 (VCV001414790.6), dbSNP rs201739761, ClinGen allele CA2823564.
Genomic context (GRCh38, chr4:3,127,335, plus strand): 5'-GATGAGATCAGTGGAGAGCTGGCTGCTTCTTCAGGGGTTTCCACTCCAGGGTCAGCAGGT[C>T]ATGACATCATCACAGAACAGCCACGGTCACAGCACACACTGCAGGCGGACTCAGTGGATC-3'
Protein context (NP_001375421.1, residues 482-502): SGVSTPGSAG[His492Tyr]DIITEQPRSQ